The following is an entry in ClinVar:

ClinVar aggregate classification (germline): Uncertain significance (1 of 4 stars; one submission).

Conditions:
Inborn genetic diseases. Identifiers: MedGen C0950123, MeSH D030342.

gnomAD v4.1: 1 of 1,489,330 alleles (0.000067%); no homozygotes.

Submission:

Ambry Genetics
Classification: Uncertain significance for Inborn genetic diseases. Last evaluated: 2025-11-18. Review status: criteria provided, single submitter. Criteria: Ambry Variant Classification Scheme 2023. Collection method: clinical testing. Allele origin: germline.
Comment: The p.I597M variant (also known as c.1791T>G), located in coding exon 11 of the FANCM gene, results from a T to G substitution at nucleotide position 1791. The isoleucine at codon 597 is replaced by methionine, an amino acid with highly similar properties. This amino acid position is conserved. In addition, this alteration is predicted to be tolerated by in silico analysis. Based on the available evidence, the clinical significance of this variant remains unclear.

NM_020937.4(FANCM):c.1791T>G (p.Ile597Met)

Gene: FANCM (FA complementation group M; plus strand). Cytogenetic location: 14q21.2.
Variant type: single nucleotide variant.
Coding change: c.1791T>G on transcript NM_020937.4 (MANE Select); coding-DNA position 1791, T replaced by G.
Protein change: p.Ile597Met; replaces isoleucine 597 with methionine.
Molecular consequence: missense variant.
Genome position (GRCh38, 1-based): chr14:45,166,952, T>G. VCF-style: chr14-45166952-T-G. GRCh37 (hg19) VCF-style: chr14-45636155-T-G.
Other names: c.1713T>G, p.Ile571Met (NM_001308133.2); c.1791T>G, p.Ile597Met (NM_001308134.2); short protein forms I571M, I597M.
Identifiers: ClinVar variation 3848823 (VCV003848823.2).
Genomic context (GRCh38, chr14:45,166,952, plus strand): 5'-GGATAAATTGTTATTTATAAAAGTAATATAATCTGACATTTTCTATTTGTTTTTACAGAT[T>G]TATAATCAGAGTCAGTCCAACAAAAGAAGTATATATAAAGCTATTTCAAGTAACAGGCAG-3'
Protein context (NP_065988.1, residues 587-607): IILSEGREER[Ile597Met]YNQSQSNKRS